The following is an entry in ClinVar:

NM_002860.4(ALDH18A1):c.135C>A (p.Asn45Lys)

Gene: ALDH18A1 (aldehyde dehydrogenase 18 family member A1; minus strand). Cytogenetic location: 10q24.1.
Variant type: single nucleotide variant.
Coding change: c.135C>A on transcript NM_002860.4 (MANE Select); coding-DNA position 135, C replaced by A.
Protein change: p.Asn45Lys; replaces asparagine 45 with lysine.
Molecular consequence: missense variant. On other transcripts: intron variant (4).
Genome position (GRCh38, 1-based): chr10:95,643,160, G>T on the plus strand (C>A on the coding strand, the complement: ALDH18A1 is on the minus strand). VCF-style: chr10-95643160-G-T. GRCh37 (hg19) VCF-style: chr10-97402917-G-T.
Other names: c.135C>A, p.Asn45Lys (NM_001017423.2, NM_001323413.2, NM_001323414.2 and 2 more transcripts); c.-78-9511C>A (NM_001323419.2); c.-30-5724C>A (NM_001323412.2, NM_001323418.2, NM_001323416.2); short protein forms N45K.
Identifiers: ClinVar variation 2197196 (VCV002197196.4), dbSNP rs2526936859, ClinGen allele CA377708268.

ClinVar aggregate classification (germline): Uncertain significance (1 of 4 stars; one submission).

Conditions:
Cutis laxa, autosomal dominant 3 (ADCL3). Identifiers: Orphanet 90348, MedGen C4225268, MONDO:0014706, OMIM 616603.
de Barsy syndrome. Also called: Cutis laxa-corneal clouding-oligophrenia syndrome. Identifiers: Orphanet 2962, MedGen C0268354, MONDO:0017569.
Autosomal dominant spastic paraplegia type 9. Identifiers: MedGen C1832669, MONDO:0015091.

Allele frequency attached by ClinVar (database versions not stated): gnomAD exomes below 0.00001.
gnomAD v4.1: 2 of 1,614,218 alleles (0.00012%); highest among the groups gnomAD compares: Non-Finnish European, 0.00017%; no homozygotes.

Submission:

Labcorp Genetics (formerly Invitae), Labcorp
Classification: Uncertain significance for Autosomal dominant spastic paraplegia type 9; de Barsy syndrome; Cutis laxa, autosomal dominant 3. Last evaluated: 2024-12-17. Review status: criteria provided, single submitter. Criteria: Invitae Variant Classification Sherloc (09022015). Collection method: clinical testing. Allele origin: germline.
Comment: This sequence change replaces asparagine, which is neutral and polar, with lysine, which is basic and polar, at codon 45 of the ALDH18A1 protein (p.Asn45Lys). This variant is not present in population databases (gnomAD no frequency). This variant has not been reported in the literature in individuals affected with ALDH18A1-related conditions. ClinVar contains an entry for this variant (Variation ID: 2197196). An algorithm developed to predict the effect of missense changes on protein structure and function (PolyPhen-2) suggests that this variant is likely to be tolerated. In summary, the available evidence is currently insufficient to determine the role of this variant in disease. Therefore, it has been classified as a Variant of Uncertain Significance.